The following is an entry in ClinVar:

NM_001252024.2(TRPM1):c.2542G>A (p.Ala848Thr)

Gene: TRPM1 (transient receptor potential cation channel subfamily M member 1; minus strand). Cytogenetic location: 15q13.3.
Variant type: single nucleotide variant.
Coding change: c.2542G>A on transcript NM_001252024.2 (MANE Select); coding-DNA position 2542, G replaced by A.
Protein change: p.Ala848Thr; replaces alanine 848 with threonine.
Molecular consequence: missense variant.
Genome position (GRCh38, 1-based): chr15:31,037,740, C>T on the plus strand (G>A on the coding strand, the complement: TRPM1 is on the minus strand). VCF-style: chr15-31037740-C-T. GRCh37 (hg19) VCF-style: chr15-31329943-C-T.
Other names: c.2593G>A, p.Ala865Thr (NM_001252020.2); c.2476G>A, p.Ala826Thr (NM_002420.6); short protein forms A826T, A865T, A848T.
Identifiers: ClinVar variation 315508 (VCV000315508.11), dbSNP rs376766834, ClinGen allele CA7452167.

ClinVar aggregate classification (germline): Uncertain significance. Review status: criteria provided, multiple submitters, no conflicts (2 of 4 stars). 4 submissions from 4 submitters: Uncertain significance (4). Last evaluated 2024-10-15.

Conditions:
Congenital stationary night blindness 1C. Also called: Night blindness, congenital stationary (complete), 1C, autosomal recessive. Identifiers: Orphanet 215, MedGen C2750747, MONDO:0013183, OMIM 613216.

Allele frequency attached by ClinVar (database versions not stated): ExAC 0.00004; gnomAD 0.00004; TOPMed 0.00004; gnomAD exomes 0.00006; ESP Exome Variant Server 0.00008.
gnomAD v4.1: 59 of 1,614,146 alleles (0.0037%); highest among the groups gnomAD compares: Middle Eastern, 0.049%; no homozygotes.

Submissions (4):

Blueprint Genetics
Classification: Uncertain significance. Last evaluated: 2024-10-15. Review status: criteria provided, single submitter. Criteria: ACMG Guidelines, 2015. Collection method: clinical testing. Allele origin: germline.

Labcorp Genetics (formerly Invitae), Labcorp
Classification: Uncertain significance. Last evaluated: 2023-12-11. Review status: criteria provided, single submitter. Criteria: Invitae Variant Classification Sherloc (09022015). Collection method: clinical testing. Allele origin: germline.
Comment: This sequence change replaces alanine, which is neutral and non-polar, with threonine, which is neutral and polar, at codon 826 of the TRPM1 protein (p.Ala826Thr). This variant is present in population databases (rs376766834, gnomAD 0.02%). This variant has not been reported in the literature in individuals affected with TRPM1-related conditions. ClinVar contains an entry for this variant (Variation ID: 315508). Advanced modeling of protein sequence and biophysical properties (such as structural, functional, and spatial information, amino acid conservation, physicochemical variation, residue mobility, and thermodynamic stability) has been performed at Invitae for this missense variant, however the output from this modeling did not meet the statistical confidence thresholds required to predict the impact of this variant on TRPM1 protein function. This variant disrupts the p.Ala826 amino acid residue in TRPM1. Other variant(s) that disrupt this residue have been determined to be pathogenic (PMID: 27803854). This suggests that this residue is clinically significant, and that variants that disrupt this residue are likely to be disease-causing. In summary, the available evidence is currently insufficient to determine the role of this variant in disease. Therefore, it has been classified as a Variant of Uncertain Significance.

Illumina Laboratory Services, Illumina
Classification: Uncertain significance for Congenital stationary night blindness 1C. Last evaluated: 2018-01-12. Review status: criteria provided, single submitter. Criteria: ICSL Variant Classification Criteria 13 December 2019. Collection method: clinical testing. Allele origin: germline.

Breakthrough Genomics
Classification: Uncertain significance. Review status: criteria provided, single submitter. Criteria: ACMG Guidelines, 2015. Collection method: not provided. Allele origin: germline. Inheritance: Unknown mechanism. Affected: yes.

Literature cited by the submitters: PubMed 27803854 (cited by Labcorp Genetics (formerly Invitae), Labcorp).